The following is an entry in ClinVar:

NM_004360.5(CDH1):c.583C>G (p.Gln195Glu)

Gene: CDH1 (cadherin 1; plus strand). Cytogenetic location: 16q22.1.
Variant type: single nucleotide variant.
Coding change: c.583C>G on transcript NM_004360.5 (MANE Select); coding-DNA position 583, C replaced by G.
Protein change: p.Gln195Glu; replaces glutamine 195 with glutamic acid.
Molecular consequence: missense variant. On other transcripts: 5 prime UTR variant (2).
Genome position (GRCh38, 1-based): chr16:68,808,744, C>G. VCF-style: chr16-68808744-C-G. GRCh37 (hg19) VCF-style: chr16-68842647-C-G.
Other names: c.583C>G, p.Gln195Glu (NM_001317184.2); c.-1033C>G (NM_001317185.2); c.-1237C>G (NM_001317186.2); short protein forms Q195E.
Identifiers: ClinVar variation 1171617 (VCV001171617.7), dbSNP rs1960737851, ClinGen allele CA396457953.

ClinVar aggregate classification (germline): Uncertain significance. Review status: criteria provided, multiple submitters, no conflicts (2 of 4 stars). 2 submissions from 2 submitters: Uncertain significance (2). Last evaluated 2026-01-27.

Conditions:
Hereditary diffuse gastric adenocarcinoma (HDGC). Also called: DIFFUSE GASTRIC AND LOBULAR BREAST CANCER SYNDROME. Identifiers: Orphanet 26106, MedGen C1708349, MONDO:0007648, OMIM 137215.
Hereditary cancer-predisposing syndrome. Also called: Hereditary neoplastic syndrome; Neoplastic Syndromes, Hereditary; Hereditary Cancer Syndrome; Tumor predisposition. Identifiers: Orphanet 140162, MedGen C0027672, MeSH D009386, MONDO:0015356.

Submissions (2):

Labcorp Genetics (formerly Invitae), Labcorp
Classification: Uncertain significance for Hereditary diffuse gastric adenocarcinoma. Last evaluated: 2026-01-27. Review status: criteria provided, single submitter. Criteria: Invitae Variant Classification Sherloc (09022015). Collection method: clinical testing. Allele origin: germline.
Comment: This sequence change replaces glutamine, which is neutral and polar, with glutamic acid, which is acidic and polar, at codon 195 of the CDH1 protein (p.Gln195Glu). This variant is not present in population databases (gnomAD no frequency). This variant has not been reported in the literature in individuals affected with CDH1-related conditions. ClinVar contains an entry for this variant (Variation ID: 1171617). An algorithm developed to predict the effect of missense changes on protein structure and function outputs the following: PolyPhen-2: "Benign". The glutamic acid amino acid residue is found in multiple mammalian species, which suggests that this missense change does not adversely affect protein function. In summary, the available evidence is currently insufficient to determine the role of this variant in disease. Therefore, it has been classified as a Variant of Uncertain Significance.

Color Diagnostics, LLC DBA Color Health
Classification: Uncertain significance for Hereditary cancer-predisposing syndrome. Last evaluated: 2020-12-02. Review status: criteria provided, single submitter. Criteria: ACMG Guidelines, 2015. Collection method: clinical testing. Allele origin: germline.
Comment: This missense variant replaces glutamine with glutamic acid at codon 195 of the CDH1 protein. To our knowledge, functional studies have not been reported for this variant. This variant has not been reported in individuals affected with hereditary cancer in the literature. This variant has not been identified in the general population by the Genome Aggregation Database (gnomAD). The available evidence is insufficient to determine the role of this variant in disease conclusively. Therefore, this variant is classified as a Variant of Uncertain Significance.